The following is an entry in ClinVar:

ClinVar aggregate classification (germline): Uncertain significance (1 of 4 stars; one submission).

Conditions:
Mitochondrial complex II deficiency, nuclear type 1. Also called: SUCCINATE CoQ REDUCTASE DEFICIENCY. Identifiers: Orphanet 3208, MedGen C5700310, MONDO:0100294, OMIM 252011.
Pheochromocytoma/paraganglioma syndrome 5. Also called: Paragangliomas 5; SDHA-Related Hereditary Paraganglioma-Pheochromocytoma Syndrome. Identifiers: Orphanet 29072, MedGen C3279992, MONDO:0013602, OMIM 614165.

Submission:

Labcorp Genetics (formerly Invitae), Labcorp
Classification: Uncertain significance for Pheochromocytoma/paraganglioma syndrome 5; Mitochondrial complex II deficiency, nuclear type 1. Last evaluated: 2022-10-29. Review status: criteria provided, single submitter. Criteria: Invitae Variant Classification Sherloc (09022015). Collection method: clinical testing. Allele origin: germline.
Comment: In summary, the available evidence is currently insufficient to determine the role of this variant in disease. Therefore, it has been classified as a Variant of Uncertain Significance. Advanced modeling of protein sequence and biophysical properties (such as structural, functional, and spatial information, amino acid conservation, physicochemical variation, residue mobility, and thermodynamic stability) performed at Invitae indicates that this missense variant is not expected to disrupt SDHA protein function. This variant has not been reported in the literature in individuals affected with SDHA-related conditions. This variant is not present in population databases (gnomAD no frequency). This sequence change replaces isoleucine, which is neutral and non-polar, with valine, which is neutral and non-polar, at codon 645 of the SDHA protein (p.Ile645Val).

NM_004168.4(SDHA):c.1933A>G (p.Ile645Val)

Gene: SDHA (succinate dehydrogenase complex flavoprotein subunit A; plus strand). Cytogenetic location: 5p15.33.
Variant type: single nucleotide variant.
Coding change: c.1933A>G on transcript NM_004168.4 (MANE Select); coding-DNA position 1933, A replaced by G.
Protein change: p.Ile645Val; replaces isoleucine 645 with valine.
Molecular consequence: missense variant.
Genome position (GRCh38, 1-based): chr5:256,358, A>G. VCF-style: chr5-256358-A-G. GRCh37 (hg19) VCF-style: chr5-256473-A-G.
Other names: c.1789A>G, p.Ile597Val (NM_001294332.2); c.1690A>G, p.Ile564Val (NM_001330758.2); short protein forms I564V, I597V, I645V.
Identifiers: ClinVar variation 2941110 (VCV002941110.3), dbSNP rs2477489063, ClinGen allele CA359002744.